The following is an entry in ClinVar:

NM_016653.3(MAP3K20):c.1389G>T (p.Met463Ile)

Genes: MAP3K20 (mitogen-activated protein kinase kinase kinase 20; plus strand), MAP3K20-AS1 (MAP3K20 antisense RNA 1; minus strand). Cytogenetic location: 2q31.1.
Variant type: single nucleotide variant.
Coding change: c.1389G>T on transcript NM_016653.3 (MANE Select); coding-DNA position 1389, G replaced by T.
Protein change: p.Met463Ile; replaces methionine 463 with isoleucine.
Molecular consequence: missense variant.
Genome position (GRCh38, 1-based): chr2:173,258,728, G>T. VCF-style: chr2-173258728-G-T. GRCh37 (hg19) VCF-style: chr2-174123456-G-T.
Other names: short protein forms M463I.
Identifiers: ClinVar variation 1468198 (VCV001468198.3), dbSNP rs760368933, ClinGen allele CA1970844.

ClinVar aggregate classification (germline): Uncertain significance (1 of 4 stars; one submission).

gnomAD v4.1: 47 of 1,610,712 alleles (0.0029%); highest among the groups gnomAD compares: East Asian, 0.087%; no homozygotes.

Submission:

Labcorp Genetics (formerly Invitae), Labcorp
Classification: Uncertain significance. Last evaluated: 2022-04-04. Review status: criteria provided, single submitter. Criteria: Invitae Variant Classification Sherloc (09022015). Collection method: clinical testing. Allele origin: germline.
Comment: This sequence change replaces methionine, which is neutral and non-polar, with isoleucine, which is neutral and non-polar, at codon 463 of the MAP3K20 protein (p.Met463Ile). This variant is present in population databases (rs760368933, gnomAD 0.01%). This variant has not been reported in the literature in individuals affected with MAP3K20-related conditions. Experimental studies and prediction algorithms are not available or were not evaluated, and the functional significance of this variant is currently unknown. In summary, the available evidence is currently insufficient to determine the role of this variant in disease. Therefore, it has been classified as a Variant of Uncertain Significance.